The following is an entry in ClinVar:

ClinVar aggregate classification (germline): Uncertain significance (1 of 4 stars; one submission).

Conditions:
Neuroblastoma, susceptibility to, 3. Also called: ALK-Related Neuroblastic Tumor Susceptibility. Identifiers: Orphanet 635, MedGen C2751681, MONDO:0013083, OMIM 613014.

Submission:

Labcorp Genetics (formerly Invitae), Labcorp
Classification: Uncertain significance for Neuroblastoma, susceptibility to, 3. Last evaluated: 2025-12-08. Review status: criteria provided, single submitter. Criteria: Invitae Variant Classification Sherloc (09022015). Collection method: clinical testing. Allele origin: germline.
Comment: This sequence change replaces alanine, which is neutral and non-polar, with aspartic acid, which is acidic and polar, at codon 1452 of the ALK protein (p.Ala1452Asp). This variant is not present in population databases (gnomAD no frequency). This variant has not been reported in the literature in individuals affected with ALK-related conditions. ClinVar contains an entry for this variant (Variation ID: 2979860). An algorithm developed to predict the effect of missense changes on protein structure and function (PolyPhen-2) suggests that this variant is likely to be tolerated. In summary, the available evidence is currently insufficient to determine the role of this variant in disease. Therefore, it has been classified as a Variant of Uncertain Significance.

NM_004304.5(ALK):c.4355C>A (p.Ala1452Asp)

Gene: ALK (ALK receptor tyrosine kinase; minus strand). Cytogenetic location: 2p23.2.
Variant type: single nucleotide variant.
Coding change: c.4355C>A on transcript NM_004304.5 (MANE Select); coding-DNA position 4355, C replaced by A.
Protein change: p.Ala1452Asp; replaces alanine 1452 with aspartic acid.
Molecular consequence: missense variant.
Genome position (GRCh38, 1-based): chr2:29,193,732, G>T on the plus strand (C>A on the coding strand, the complement: ALK is on the minus strand). VCF-style: chr2-29193732-G-T. GRCh37 (hg19) VCF-style: chr2-29416598-G-T.
Other names: c.1151C>A, p.Ala384Asp (NM_001353765.2); short protein forms A1452D, A384D.
Identifiers: ClinVar variation 2979860 (VCV002979860.3), dbSNP rs2148138607, ClinGen allele CA346462461.